The following is an entry in ClinVar:

NM_001257096.2(PAX1):c.1193G>C (p.Gly398Ala)

Gene: PAX1 (paired box 1; plus strand). Cytogenetic location: 20p11.22.
Variant type: single nucleotide variant.
Coding change: c.1193G>C on transcript NM_001257096.2 (MANE Select); coding-DNA position 1193, G replaced by C.
Protein change: p.Gly398Ala; replaces glycine 398 with alanine.
Molecular consequence: missense variant.
Genome position (GRCh38, 1-based): chr20:21,709,355, G>C. VCF-style: chr20-21709355-G-C. GRCh37 (hg19) VCF-style: chr20-21689993-G-C.
Other names: c.1193G>C, p.Gly398Ala (NM_006192.5); short protein forms G398A.
Identifiers: ClinVar variation 2003033 (VCV002003033.4), dbSNP rs758893794, ClinGen allele CA408499549.
Genomic context (GRCh38, chr20:21,709,355, plus strand): 5'-TGTACAGCGCCCCGGGCGGCGGCTACCTCGCCCCGGGCCCGCCGTGGCCGCCTGCGCAAG[G>C]TCCTCCTCTGGCGCCCCCCGGGGCCGGCGTAGCTGTGCATGGCGGGGAACTCGCGGCAGC-3'
Protein context (NP_001244025.1, residues 388-408): APGPPWPPAQ[Gly398Ala]PPLAPPGAGV

ClinVar aggregate classification (germline): Uncertain significance (1 of 4 stars; one submission).

gnomAD v4.1: 2 of 1,593,744 alleles (0.00013%); highest among the groups gnomAD compares: Admixed American, 0.0034%; no homozygotes.

Submission:

Labcorp Genetics (formerly Invitae), Labcorp
Classification: Uncertain significance. Last evaluated: 2022-11-22. Review status: criteria provided, single submitter. Criteria: Invitae Variant Classification Sherloc (09022015). Collection method: clinical testing. Allele origin: germline.
Comment: This variant is present in population databases (no rsID available, gnomAD 0.003%). In summary, the available evidence is currently insufficient to determine the role of this variant in disease. Therefore, it has been classified as a Variant of Uncertain Significance. Advanced modeling of protein sequence and biophysical properties (such as structural, functional, and spatial information, amino acid conservation, physicochemical variation, residue mobility, and thermodynamic stability) performed at Invitae indicates that this missense variant is not expected to disrupt PAX1 protein function. This variant has not been reported in the literature in individuals affected with PAX1-related conditions. This sequence change replaces glycine, which is neutral and non-polar, with alanine, which is neutral and non-polar, at codon 398 of the PAX1 protein (p.Gly398Ala).